The following is an entry in ClinVar:

ClinVar aggregate classification (germline): Uncertain significance (1 of 4 stars; one submission).

Conditions:
Inborn genetic diseases. Identifiers: MedGen C0950123, MeSH D030342.

Submission:

Ambry Genetics
Classification: Uncertain significance for Inborn genetic diseases. Last evaluated: 2025-07-25. Review status: criteria provided, single submitter. Criteria: Ambry Variant Classification Scheme 2023. Collection method: clinical testing. Allele origin: germline.
Comment: The p.L133V variant (also known as c.397C>G), located in coding exon 3 of the ANKRD26 gene, results from a C to G substitution at nucleotide position 397. The leucine at codon 133 is replaced by valine, an amino acid with highly similar properties. This amino acid position is conserved. In addition, the in silico prediction for this alteration is inconclusive. Based on the available evidence, the clinical significance of this variant remains unclear.

NM_014915.3(ANKRD26):c.397C>G (p.Leu133Val)

Gene: ANKRD26 (ankyrin repeat domain containing 26; minus strand). Cytogenetic location: 10p12.1.
Variant type: single nucleotide variant.
Coding change: c.397C>G on transcript NM_014915.3 (MANE Select); coding-DNA position 397, C replaced by G.
Protein change: p.Leu133Val; replaces leucine 133 with valine.
Molecular consequence: missense variant.
Genome position (GRCh38, 1-based): chr10:27,093,483, G>C on the plus strand (C>G on the coding strand, the complement: ANKRD26 is on the minus strand). VCF-style: chr10-27093483-G-C. GRCh37 (hg19) VCF-style: chr10-27382412-G-C.
Other names: c.397C>G, p.Leu133Val (NM_001256053.2); short protein forms L133V.
Identifiers: ClinVar variation 4103759 (VCV004103759.1).
Genomic context (GRCh38, chr10:27,093,483, plus strand): 5'-CATAGTGAAGAGCAGTGTTGCCATGGACATCCGCAAGATTTGGATCAGCACCATGTTCTA[G>C]CAGAATAGTTGCACATTTCTCTTCCTGGCATTGTACAGCCTGGGAGTATTAGACCAAGAA-3'
Protein context (NP_055730.2, residues 123-143): CQEEKCATIL[Leu133Val]EHGADPNLAD